The following is an entry in ClinVar:

ClinVar aggregate classification (germline): Uncertain significance (1 of 4 stars; one submission).

Allele frequency attached by ClinVar (database versions not stated): TOPMed below 0.00001; gnomAD exomes 0.00001; ExAC 0.00002.
gnomAD v4.1: 9 of 1,613,968 alleles (0.00056%); highest among the groups gnomAD compares: Admixed American, 0.0017%; no homozygotes.

Submission:

Labcorp Genetics (formerly Invitae), Labcorp
Classification: Uncertain significance. Last evaluated: 2022-06-27. Review status: criteria provided, single submitter. Criteria: Invitae Variant Classification Sherloc (09022015). Collection method: clinical testing. Allele origin: germline.
Comment: This variant is present in population databases (rs747189958, gnomAD 0.003%). This variant has not been reported in the literature in individuals affected with TTC37-related conditions. Algorithms developed to predict the effect of missense changes on protein structure and function output the following: SIFT: "Tolerated"; PolyPhen-2: "Benign"; Align-GVGD: "Class C0". The valine amino acid residue is found in multiple mammalian species, which suggests that this missense change does not adversely affect protein function. Algorithms developed to predict the effect of sequence changes on RNA splicing suggest that this variant may create or strengthen a splice site. In summary, the available evidence is currently insufficient to determine the role of this variant in disease. Therefore, it has been classified as a Variant of Uncertain Significance. This sequence change replaces isoleucine, which is neutral and non-polar, with valine, which is neutral and non-polar, at codon 1055 of the TTC37 protein (p.Ile1055Val).

NM_014639.4(SKIC3):c.3163A>G (p.Ile1055Val)

Gene: SKIC3 (SKI3 subunit of superkiller complex; minus strand). Cytogenetic location: 5q15.
Variant type: single nucleotide variant.
Coding change: c.3163A>G on transcript NM_014639.4 (MANE Select); coding-DNA position 3163, A replaced by G.
Protein change: p.Ile1055Val; replaces isoleucine 1055 with valine.
Molecular consequence: missense variant.
Genome position (GRCh38, 1-based): chr5:95,503,868, T>C on the plus strand (A>G on the coding strand, the complement: SKIC3 is on the minus strand). VCF-style: chr5-95503868-T-C. GRCh37 (hg19) VCF-style: chr5-94839572-T-C.
Other names: short protein forms I1055V.
Identifiers: ClinVar variation 1483455 (VCV001483455.8), dbSNP rs747189958, ClinGen allele CA3346829.
Genomic context (GRCh38, chr5:95,503,868, plus strand): 5'-ACTTACCTTTGCTGCTCTCTTTATAAAGCCCCTTCATGAATAAAGCCAATGCAAAACCTA[T>C]GATGTCTTCTAACACTTCAAGGGGTGTTGACTTAAAAGCCTGGATAGCTTTATCATATTC-3'
Protein context (NP_055454.1, residues 1045-1065): STPLEVLEDI[Ile1055Val]GFALALFMKG